The following is an entry in ClinVar:

NM_000492.4(CFTR):c.2818dup (p.Thr940fs)

Gene: CFTR (CF transmembrane conductance regulator; plus strand). Cytogenetic location: 7q31.2.
Variant type: Duplication.
Coding change: c.2818dup on transcript NM_000492.4 (MANE Select); coding-DNA position 2818, one base duplicated (A; older notation c.2818dupA).
Protein change: p.Thr940fs; shifts the reading frame from threonine 940.
Molecular consequence: frameshift variant.
Genome position (GRCh38, 1-based): chr7:117,603,692, A duplicated. VCF-style (leftmost placement, unchanged base first): chr7-117603691-T-TA. GRCh37 (hg19) VCF-style: chr7-117243745-T-TA.
Other names: c.2818dupA (NM_000492.3, NM_000492.4); short protein forms T940fs.
Identifiers: ClinVar variation 2573424 (VCV002573424.3), dbSNP rs2485122177, ClinGen allele CA2580614240.

ClinVar aggregate classification (germline): Pathogenic/Likely pathogenic. Review status: criteria provided, multiple submitters, no conflicts (2 of 4 stars). 2 submissions from 2 submitters: Pathogenic (1); Likely pathogenic (1). Last evaluated 2025-04-22.

Conditions:
Cystic fibrosis (CF). Also called: MUCOVISCIDOSIS. Identifiers: Orphanet 586, MedGen C0010674, MONDO:0009061, OMIM 219700. Disease mechanism: loss of function.
CFTR-related disorder (CFTR-RD). Also called: CFTR-related disorders; CFTR-related condition. Identifiers: MedGen C5924204, MONDO:7770004.

Submissions (2):

Women's Health and Genetics/Laboratory Corporation of America, LabCorp
Classification: Pathogenic for Cystic fibrosis. Last evaluated: 2025-04-22. Review status: criteria provided, single submitter. Criteria: LabCorp Variant Classification Summary - May 2015. Collection method: clinical testing. Allele origin: germline.
Comment: Variant summary: CFTR c.2818dupA (p.Thr940AsnfsX35) results in a premature termination codon, predicted to cause a truncation of the encoded protein or absence of the protein due to nonsense mediated decay, which are commonly known mechanisms for disease. The variant was absent in 251404 control chromosomes. c.2818dupA has been reported in the literature in at least one individual affected with Cystic Fibrosis (e.g. Madore_2008). To our knowledge, no experimental evidence demonstrating an impact on protein function has been reported. ClinVar contains an entry for this variant (Variation ID: 2573424). Based on the evidence outlined above, the variant was classified as pathogenic.

Natera, Inc.
Classification: Likely pathogenic for CFTR-related disorders. Last evaluated: 2024-05-10. Review status: criteria provided, single submitter. Criteria: Natera Variant Classification Schema (03/2026). Collection method: clinical testing. Allele origin: germline.
Comment: The c.2818dup variant in CFTR is a frameshift variant predicted to shift the reading frame beginning at codon 940 and leads to a stop codon 35 codons downstream. This variant is expected to result in nonsense mediated decay, truncation, or a dysfunctional protein product. This variant is rare in the general population with a frequency below the threshold expected for the associated phenotype(s). Given the available evidence, this variant is classified as Likely Pathogenic.

Literature cited by the submitters: PubMed 18344710 (cited by Women's Health and Genetics/Laboratory Corporation of America, LabCorp).